The following is an entry in ClinVar:

NM_198578.4(LRRK2):c.5924C>T (p.Ala1975Val)

Gene: LRRK2 (leucine rich repeat kinase 2; plus strand). Cytogenetic location: 12q12.
Variant type: single nucleotide variant.
Coding change: c.5924C>T on transcript NM_198578.4 (MANE Select); coding-DNA position 5924, C replaced by T.
Protein change: p.Ala1975Val; replaces alanine 1975 with valine.
Molecular consequence: missense variant.
Genome position (GRCh38, 1-based): chr12:40,335,133, C>T. VCF-style: chr12-40335133-C-T. GRCh37 (hg19) VCF-style: chr12-40728935-C-T.
Other names: short protein forms A1975V.
Identifiers: ClinVar variation 1750524 (VCV001750524.2), dbSNP rs2499930930, ClinGen allele CA384402432.
Genomic context (GRCh38, chr12:40,335,133, plus strand): 5'-TGGATCGCCTGCTTCAGCAGGACAAAGCCAGCCTCACTAGAACCCTACAGCACAGGATTG[C>T]ACTCCACGTAGCTGATGGTTTGAGGTAAGTAGGTCATGTTGTTTTCTATTCAGTGCATGA-3'
Protein context (NP_940980.4, residues 1965-1985): SLTRTLQHRI[Ala1975Val]LHVADGLRYL

ClinVar aggregate classification (germline): Uncertain significance (1 of 4 stars; one submission).

Conditions:
Inborn genetic diseases. Identifiers: MedGen C0950123, MeSH D030342.

Submission:

Ambry Genetics
Classification: Uncertain significance for Inborn genetic diseases. Last evaluated: 2022-03-16. Review status: criteria provided, single submitter. Criteria: Ambry Variant Classification Scheme 2023. Collection method: clinical testing. Allele origin: germline.
Comment: The p.A1975V variant (also known as c.5924C>T), located in coding exon 40 of the LRRK2 gene, results from a C to T substitution at nucleotide position 5924. The alanine at codon 1975 is replaced by valine, an amino acid with similar properties. This amino acid position is conserved. In addition, the in silico prediction for this alteration is inconclusive. Since supporting evidence is limited at this time, the clinical significance of this alteration remains unclear.